The following is an entry in ClinVar:

ClinVar aggregate classification (germline): Uncertain significance. Review status: criteria provided, multiple submitters, no conflicts (2 of 4 stars). 4 submissions from 4 submitters: Uncertain significance (3). 1 of the submissions does not count toward it. Last evaluated 2023-11-06.

Conditions:
Very long chain acyl-CoA dehydrogenase deficiency (ACADVLD). Also called: VLCAD Deficiency; Very Long-Chain Acyl-Coenzyme A Dehydrogenase Deficiency. Identifiers: Orphanet 26793, MedGen C3887523, MONDO:0008723, OMIM 201475.

Allele frequency attached by ClinVar (database versions not stated): gnomAD exomes below 0.00001; ExAC 0.00001; gnomAD 0.00002 and 0.00003; TOPMed 0.00002; 1000 Genomes Project 0.00020; 1000 Genomes Project 30x 0.00031.
gnomAD v4.1: 30 of 1,614,070 alleles (0.0019%); highest among the groups gnomAD compares: African/African-American, 0.0027%; no homozygotes.

Submissions (4):

Labcorp Genetics (formerly Invitae), Labcorp
Classification: Uncertain significance for Very long chain acyl-CoA dehydrogenase deficiency. Last evaluated: 2023-11-06. Review status: criteria provided, single submitter. Criteria: Invitae Variant Classification Sherloc (09022015). Collection method: clinical testing. Allele origin: germline.
Comment: This sequence change replaces glutamic acid, which is acidic and polar, with lysine, which is basic and polar, at codon 114 of the ACADVL protein (p.Glu114Lys). This variant is present in population databases (rs557260142, gnomAD 0.007%). This variant has not been reported in the literature in individuals affected with ACADVL-related conditions. ClinVar contains an entry for this variant (Variation ID: 541716). An algorithm developed to predict the effect of missense changes on protein structure and function (PolyPhen-2) suggests that this variant¬†is likely to be tolerated. In summary, the available evidence is currently insufficient to determine the role of this variant in disease. Therefore, it has been classified as a Variant of Uncertain Significance.

Fulgent Genetics
Classification: Uncertain significance for Very long chain acyl-CoA dehydrogenase deficiency. Last evaluated: 2022-05-09. Review status: criteria provided, single submitter. Criteria: ACMG Guidelines, 2015. Collection method: clinical testing. Allele origin: unknown.

Blueprint Genetics
Classification: Uncertain significance. Last evaluated: 2021-07-16. Review status: criteria provided, single submitter. Criteria: ACMG Guidelines, 2015. Collection method: clinical testing. Allele origin: germline.

Natera, Inc.
Classification: Uncertain significance for Very long chain acyl-CoA dehydrogenase deficiency. Last evaluated: 2020-09-01. Review status: no assertion criteria provided. Collection method: clinical testing. Allele origin: germline. Not counted in ClinVar's aggregate classification.

NM_000018.4(ACADVL):c.340G>A (p.Glu114Lys)

Gene: ACADVL (acyl-CoA dehydrogenase very long chain; plus strand). Cytogenetic location: 17p13.1.
Variant type: single nucleotide variant.
Coding change: c.340G>A on transcript NM_000018.4 (MANE Select); coding-DNA position 340, G replaced by A.
Protein change: p.Glu114Lys; replaces glutamic acid 114 with lysine.
Molecular consequence: missense variant.
Genome position (GRCh38, 1-based): chr17:7,220,828, G>A. VCF-style: chr17-7220828-G-A. GRCh37 (hg19) VCF-style: chr17-7124147-G-A.
Other names: c.274G>A, p.Glu92Lys (NM_001033859.3); c.409G>A, p.Glu137Lys (NM_001270447.2); c.112G>A, p.Glu38Lys (NM_001270448.2); short protein forms E114K, E137K, E38K, E92K.
Identifiers: ClinVar variation 541716 (VCV000541716.14), dbSNP rs557260142, ClinGen allele CA8337656.